The following is an entry in ClinVar:

NC_000022.11:g.(?_28687891)_(28696993_?)del

Gene: CHEK2 (checkpoint kinase 2; minus strand). Cytogenetic location: 22q12.1.
Variant type: Deletion.
Identifiers: ClinVar variation 460665 (VCV000460665.2).

ClinVar aggregate classification (germline): Pathogenic (1 of 4 stars; one submission).

Conditions:
Familial cancer of breast. Also called: BREAST CANCER, FAMILIAL; hereditary breast carcinoma; Hereditary breast cancer. Identifiers: Orphanet 227535, MedGen C0346153, MONDO:0016419, OMIM 114480. Disease mechanism: loss of function.

Submission:

Labcorp Genetics (formerly Invitae), Labcorp
Classification: Pathogenic for Familial cancer of breast. Last evaluated: 2017-06-08. Review status: criteria provided, single submitter. Criteria: Invitae Variant Classification Sherloc (09022015). Collection method: clinical testing. Allele origin: germline.
Comment: This variant is a gross deletion of the genomic region encompassing exons 10-15 of the CHEK2 gene. The 5' boundary is likely confined to intron 9. The 3' end of this event is unknown as it extends through the termination codon beyond the assayed region for this gene and may encompass additional genes. While this deletion is not anticipated to result in nonsense mediated decay, it is expected to create a truncated protein product or disrupt mRNA translation. While this gross deletion has not been reported in the literature, loss-of-function variants including gross deletions in CHEK2 are known to be pathogenic (PMID: 21876083, 24713400). This deletion (p.Tyr337_Leu543del) partially removes the kinase domain (residues 226-486), and the NLS (nuclear localization signal, residues 515-522), which are important for normal CHEK2 protein function (PMID: 11733767, 15279791, 19782031, 12909615, 18004398, 24879340). Smaller in-frame deletions and truncations in this region have been determined to be pathogenic in the Invitae database,Â¬â€ suggesting that deletion of this region of the CHEK2 protein is causative of disease. For these reasons, this variant has been classified as Pathogenic.